The following is an entry in ClinVar:

ClinVar aggregate classification (germline): Uncertain significance. Review status: criteria provided, multiple submitters, no conflicts (2 of 4 stars). 2 submissions from 2 submitters: Uncertain significance (2). Last evaluated 2025-07-25.

Conditions:
Gastrointestinal stromal tumor. Also called: Gastrointestinal stroma tumor; Gastrointestinal stromal tumor, somatic. Identifiers: Orphanet 44890, MedGen C0238198, MeSH D046152, MONDO:0011719, OMIM 606764, HP:0100723.
Hereditary cancer-predisposing syndrome. Also called: Hereditary neoplastic syndrome; Tumor predisposition; Hereditary Cancer Syndrome; Neoplastic Syndromes, Hereditary. Identifiers: Orphanet 140162, MedGen C0027672, MeSH D009386, MONDO:0015356.

Submissions (2):

Ambry Genetics
Classification: Uncertain significance for Hereditary cancer-predisposing syndrome. Last evaluated: 2025-07-25. Review status: criteria provided, single submitter. Criteria: Ambry Variant Classification Scheme 2023. Collection method: clinical testing. Allele origin: germline.
Comment: The p.E563D variant (also known as c.1689A>C), located in coding exon 11 of the PDGFRA gene, results from an A to C substitution at nucleotide position 1689. The glutamic acid at codon 563 is replaced by aspartic acid, an amino acid with highly similar properties. This amino acid position is conserved. In addition, this alteration is predicted to be deleterious by in silico analysis. Based on the available evidence, the clinical significance of this variant remains unclear.

Labcorp Genetics (formerly Invitae), Labcorp
Classification: Uncertain significance for Gastrointestinal stromal tumor. Last evaluated: 2024-05-13. Review status: criteria provided, single submitter. Criteria: Invitae Variant Classification Sherloc (09022015). Collection method: clinical testing. Allele origin: germline.
Comment: This sequence change replaces glutamic acid, which is acidic and polar, with aspartic acid, which is acidic and polar, at codon 563 of the PDGFRA protein (p.Glu563Asp). This variant is not present in population databases (gnomAD no frequency). This variant has not been reported in the literature in individuals affected with PDGFRA-related conditions. ClinVar contains an entry for this variant (Variation ID: 1483971). Advanced modeling of protein sequence and biophysical properties (such as structural, functional, and spatial information, amino acid conservation, physicochemical variation, residue mobility, and thermodynamic stability) has been performed at Invitae for this missense variant, however the output from this modeling did not meet the statistical confidence thresholds required to predict the impact of this variant on PDGFRA protein function. In summary, the available evidence is currently insufficient to determine the role of this variant in disease. Therefore, it has been classified as a Variant of Uncertain Significance.

NM_006206.6(PDGFRA):c.1689A>C (p.Glu563Asp)

Gene: PDGFRA (platelet derived growth factor receptor alpha; plus strand). Cytogenetic location: 4q12.
Variant type: single nucleotide variant.
Coding change: c.1689A>C on transcript NM_006206.6 (MANE Select); coding-DNA position 1689, A replaced by C.
Protein change: p.Glu563Asp; replaces glutamic acid 563 with aspartic acid.
Molecular consequence: missense variant.
Genome position (GRCh38, 1-based): chr4:54,274,876, A>C. VCF-style: chr4-54274876-A-C. GRCh37 (hg19) VCF-style: chr4-55141043-A-C.
Other names: c.1689A>C, p.Glu563Asp (NM_001347827.2, NM_001347829.2); c.1764A>C, p.Glu588Asp (NM_001347828.2); c.1728A>C, p.Glu576Asp (NM_001347830.2); c.1689A>C (NM_006206.4); short protein forms E576D, E588D, E563D.
Identifiers: ClinVar variation 1483971 (VCV001483971.7), dbSNP rs753347712, ClinGen allele CA356893091.